The following is an entry in ClinVar:

NM_006493.4(CLN5):c.596T>C (p.Val199Ala)

Gene: CLN5 (CLN5 intracellular trafficking protein; plus strand). Cytogenetic location: 13q22.3.
Variant type: single nucleotide variant.
Coding change: c.596T>C on transcript NM_006493.4 (MANE Select); coding-DNA position 596, T replaced by C.
Protein change: p.Val199Ala; replaces valine 199 with alanine.
Molecular consequence: missense variant. On other transcripts: 3 prime UTR variant (1).
Genome position (GRCh38, 1-based): chr13:77,000,488, T>C. VCF-style: chr13-77000488-T-C. GRCh37 (hg19) VCF-style: chr13-77574623-T-C.
Other names: c.743T>C (LRG_692t1); c.*45T>C (NM_001366624.2); short protein forms V199A.
Identifiers: ClinVar variation 590111 (VCV000590111.5), dbSNP rs1566221309, ClinGen allele CA388311301.

ClinVar aggregate classification (germline): Uncertain significance (1 of 4 stars; one submission).

Conditions:
Inborn genetic diseases. Identifiers: MedGen C0950123, MeSH D030342.

Allele frequency attached by ClinVar (database versions not stated): gnomAD 0.00001; TOPMed 0.00001.
gnomAD v4.1: 1 of 1,612,864 alleles (0.000062%); highest among the groups gnomAD compares: African/African-American, 0.0013%; no homozygotes.

Submission:

Ambry Genetics
Classification: Uncertain significance for Inborn genetic diseases. Last evaluated: 2017-03-27. Review status: criteria provided, single submitter. Criteria: Ambry Variant Classification Scheme 2023. Collection method: clinical testing. Allele origin: germline.
Comment: The p.V248A variant (also known as c.743T>C), located in coding exon 4 of the CLN5 gene, results from a T to C substitution at nucleotide position 743. The valine at codon 248 is replaced by alanine, an amino acid with similar properties. This amino acid position is well conserved in available vertebrate species. In addition, the in silico prediction for this alteration is inconclusive. Since supporting evidence is limited at this time, the clinical significance of this alteration remains unclear.